The following is an entry in ClinVar:

NM_001134831.2(AHI1):c.2760_2764+2del

Gene: AHI1 (Abelson helper integration site 1; minus strand). Cytogenetic location: 6q23.3.
Variant type: Deletion.
Coding change: c.2760_2764+2del on transcript NM_001134831.2 (MANE Select); coding-DNA position 2760 through the canonical splice donor site of the intron after coding-DNA position 2764, 7 bases deleted (CCATGGT; older notation c.2760_2764+2delCCATGGT).
Molecular consequence: splice donor variant.
Genome position (GRCh38, 1-based): chr6:135,427,165-135,427,171, ACCATGG deleted on the plus strand (CCATGGT on the coding strand, the reverse complement: AHI1 is on the minus strand); deleting any 7 consecutive bases within chr6:135,427,165-135,427,172 gives the same sequence; the c. name uses the placement nearest the transcript's 3' end. VCF-style (leftmost placement, unchanged base first): chr6-135427164-TACCATGG-T. GRCh37 (hg19) VCF-style: chr6-135748302-TACCATGG-T.
Other names: c.2760_2764+2del (NM_001134830.2, NM_001350503.2, NM_017651.5 and 2 more transcripts).
Identifiers: ClinVar variation 2891933 (VCV002891933.4), dbSNP rs1784023146, ClinGen allele CA1665910032.
Genomic context (GRCh38, chr6:135,427,164, plus strand): 5'-CTGGTTTAGTCTAAATGTAAAGGTTACTCTAAAAATTCTTTACTTATCAAGTGGTAGACT[TACCATGG>T]AAATCGTAAATATACAGAAGAATTGGCTCATTTTGCCCAAATGCACAGAATGCAACCATA-3'

ClinVar aggregate classification (germline): Conflicting classifications of pathogenicity. Review status: criteria provided, conflicting classifications (1 of 4 stars). 2 submissions from 2 submitters: Likely pathogenic (1); Uncertain significance (1). Last evaluated 2026-05-28.

Conditions:
Joubert syndrome 3 (JBTS3). Also called: AHI1-related Ciliopathy. Identifiers: Orphanet 220493, MedGen C1837713, MONDO:0012078, OMIM 608629.
Joubert syndrome. Also called: JOUBERT-BOLTSHAUSER SYNDROME; Familial aplasia of the vermis. Identifiers: Orphanet 475, MedGen C5979921, MONDO:0018772.

Submissions (2):

Myriad Genetics, Inc.
Classification: Uncertain significance for Joubert syndrome 3. Last evaluated: 2026-05-28. Review status: criteria provided, single submitter. Criteria: Myriad Autosomal Dominant, Autosomal Recessive and X-Linked Classification Criteria (2023). Collection method: clinical testing. Allele origin: unknown.
Comment: NM_001134831.1(AHI1):c.2760_2764+2del7 is a variant in a canonical splice site classified as a variant of uncertain significance in the context of Joubert syndrome, AHI1-related. c.2760_2764+2del7 has not been observed in cases with relevant disease. Relevant functional assessments of this variant are not available in the literature. c.2760_2764+2del7 has not been observed in referenced population frequency databases. In summary, there is insufficient evidence to classify NM_001134831.1(AHI1):c.2760_2764+2del7 as pathogenic or benign. Please note: this variant was assessed in the context of healthy population screening.

Labcorp Genetics (formerly Invitae), Labcorp
Classification: Likely pathogenic for Joubert syndrome. Last evaluated: 2023-12-04. Review status: criteria provided, single submitter. Criteria: Invitae Variant Classification Sherloc (09022015). Collection method: clinical testing. Allele origin: germline.
Comment: This variant results in the deletion of part of exon 19 (c.2760_2764+2del) of the AHI1 gene. It is expected to disrupt RNA splicing. Variants that disrupt the donor or acceptor splice site typically lead to a loss of protein function (PMID: 16199547), and loss-of-function variants in AHI1 are known to be pathogenic (PMID: 15322546, 16453322, 28442542, 29186038). This variant is not present in population databases (gnomAD no frequency). This variant has not been reported in the literature in individuals affected with AHI1-related conditions. In summary, the currently available evidence indicates that the variant is pathogenic, but additional data are needed to prove that conclusively. Therefore, this variant has been classified as Likely Pathogenic.

Literature cited by the submitters: PubMed 16199547 (cited by Labcorp Genetics (formerly Invitae), Labcorp); PubMed 15322546 (cited by Labcorp Genetics (formerly Invitae), Labcorp); PubMed 16453322 (cited by Labcorp Genetics (formerly Invitae), Labcorp); PubMed 28442542 (cited by Labcorp Genetics (formerly Invitae), Labcorp); PubMed 29186038 (cited by Labcorp Genetics (formerly Invitae), Labcorp).